The following is an entry in ClinVar:

NM_000539.3(RHO):c.*925T>C

Gene: RHO (rhodopsin; plus strand). Cytogenetic location: 3q22.1.
Variant type: single nucleotide variant.
Coding change: c.*925T>C on transcript NM_000539.3 (MANE Select); 925 bases downstream of the stop codon, T replaced by C.
Molecular consequence: 3 prime UTR variant.
Genome position (GRCh38, 1-based): chr3:129,534,643, T>C. VCF-style: chr3-129534643-T-C. GRCh37 (hg19) VCF-style: chr3-129253486-T-C.
Identifiers: ClinVar variation 343303 (VCV000343303.6), dbSNP rs60645924, ClinGen allele CA10615297.

ClinVar aggregate classification (germline): Benign. Review status: criteria provided, multiple submitters, no conflicts (2 of 4 stars). 3 submissions from 2 submitters: Benign (3). Last evaluated 2018-01-12.

Conditions:
Retinitis pigmentosa (RP). Identifiers: Orphanet 791, MedGen C0035334, MeSH D012174, MONDO:0019200, OMIM 268000. Inheritance: Autosomal dominant, autosomal recessive and X linked inheritance.
Congenital stationary night blindness autosomal dominant 1. Also called: NIGHT BLINDNESS, CONGENITAL STATIONARY, RHODOPSIN-RELATED. Identifiers: Orphanet 215, MedGen C1864869, MONDO:0012498, OMIM 610445.

Allele frequency attached by ClinVar (database versions not stated): gnomAD exomes 0.02093; gnomAD 0.10796 and 0.11065; 1000 Genomes Project 0.10962; 1000 Genomes Project 30x 0.11024; TOPMed 0.11592.
gnomAD v4.1: 16,453 of 152,636 alleles (11%); highest among the groups gnomAD compares: African/African-American, 23%; 1,351 homozygotes.

Submissions (3):

Illumina Laboratory Services, Illumina
Classification: Benign for Congenital stationary night blindness autosomal dominant 1. Last evaluated: 2018-01-12. Review status: criteria provided, single submitter. Criteria: ICSL Variant Classification Criteria 13 December 2019. Collection method: clinical testing. Allele origin: germline.
Comment: This variant was observed in the ICSL laboratory as part of a predisposition screen in an ostensibly healthy population. It had not been previously curated by ICSL or reported in the Human Gene Mutation Database (HGMD: prior to June 1st, 2018), and was therefore a candidate for classification through an automated scoring system. Utilizing variant allele frequency, disease prevalence and penetrance estimates, and inheritance mode, an automated score was calculated to assess if this variant is too frequent to cause the disease. Based on the score and internal cut-off values, a variant classified as benign is not then subjected to further curation. The score for this variant resulted in a classification of benign for this disease.

Illumina Laboratory Services, Illumina
Classification: Benign for Retinitis pigmentosa. Last evaluated: 2018-01-12. Review status: criteria provided, single submitter. Criteria: ICSL Variant Classification Criteria 13 December 2019. Collection method: clinical testing. Allele origin: germline.
Comment: the same text as in the submission from Illumina Laboratory Services, Illumina above.

Breakthrough Genomics
Classification: Benign. Review status: criteria provided, single submitter. Criteria: ACMG Guidelines, 2015. Collection method: not provided. Allele origin: germline. Inheritance: Autosomal dominant inheritance. Affected: yes.